The following is an entry in ClinVar:

ClinVar aggregate classification (germline): Benign/Likely benign. Review status: criteria provided, multiple submitters, no conflicts (2 of 4 stars). 3 submissions from 3 submitters: Benign (1); Likely benign (2). Last evaluated 2025-08-29.

Conditions:
Long QT syndrome (LQTS). Identifiers: MedGen C0023976, MeSH D008133, MONDO:0002442. Disease mechanism: loss of function. Inheritance: Various modes of inheritance.

Allele frequency attached by ClinVar (database versions not stated): gnomAD 0.00004; TOPMed 0.00004; gnomAD exomes 0.00006 and 0.00009; ESP Exome Variant Server 0.00008; ExAC 0.00017; 1000 Genomes Project 30x 0.00031; 1000 Genomes Project 0.00040.
gnomAD v4.1: 91 of 1,493,694 alleles (0.0061%); highest among the groups gnomAD compares: South Asian, 0.014%; no homozygotes.

Submissions (3):

Labcorp Genetics (formerly Invitae), Labcorp
Classification: Likely benign for Long QT syndrome. Last evaluated: 2025-08-29. Review status: criteria provided, single submitter. Criteria: Invitae Variant Classification Sherloc (09022015). Collection method: clinical testing. Allele origin: germline.

GeneDx
Classification: Likely benign. Last evaluated: 2020-01-28. Review status: criteria provided, single submitter. Criteria: GeneDx Variant Classification Process June 2021. Collection method: clinical testing. Allele origin: germline. Affected: yes.

Women's Health and Genetics/Laboratory Corporation of America, LabCorp
Classification: Benign. Last evaluated: 2017-03-13. Review status: criteria provided, single submitter. Criteria: LabCorp Variant Classification Summary - May 2015. Collection method: clinical testing. Allele origin: germline.
Comment: Variant summary: The CACNA1C c.1114-10G>A variant involves the alteration of a non-conserved intronic nucleotide and is predicted to have no significant impact on normal splicing by 4/5 splice prediction tools. This variant was found in 18/105732 control chromosomes at a frequency of 0.0001702, which is approximately 17 times the estimated maximal expected allele frequency of a pathogenic CACNA1C variant (0.00001), suggesting this variant is likely a benign polymorphism. The variant of interest has not, to our knowledge, been reported in affected individuals via publications and/or reputable databases/clinical diagnostic laboratories. Taken together, this variant is classified as Benign.

NM_000719.7(CACNA1C):c.1114-10G>A

Gene: CACNA1C (calcium voltage-gated channel subunit alpha1 C; plus strand). Cytogenetic location: 12p13.33.
Variant type: single nucleotide variant.
Coding change: c.1114-10G>A on transcript NM_000719.7 (MANE Select); 10 bases into the intron before coding-DNA position 1114, G replaced by A.
Molecular consequence: intron variant.
Genome position (GRCh38, 1-based): chr12:2,504,832, G>A. VCF-style: chr12-2504832-G-A. GRCh37 (hg19) VCF-style: chr12-2613998-G-A.
Other names: c.1217+293G>A (NM_001167624.3, NM_001167623.2, NM_001167625.2 and 1 more transcripts); c.1114-10G>A (NM_199460.4, NM_001129827.2, NM_001129832.2 and 14 more transcripts); c.1105-10G>A (NM_001129844.2).
Identifiers: ClinVar variation 496068 (VCV000496068.13), dbSNP rs371725005, ClinGen allele CA6388651.
Genomic context (GRCh38, chr12:2,504,832, plus strand): 5'-AGCCGGGGACCGGCACTGGCCGTGCTCGGTTGCTGAGTGTGCCTCACTAACTATCATTCC[G>A]TTCTTCCAGGTCAATGATGCCGTAGGAAGGGACTGGCCCTGGATCTATTTTGTTACACTA-3'